The following is an entry in ClinVar:

ClinVar aggregate classification (germline): Uncertain significance (1 of 4 stars; one submission).

Submission:

Greenwood Genetic Center Diagnostic Laboratories, Greenwood Genetic Center
Classification: Uncertain significance. Last evaluated: 2025-06-26. Review status: criteria provided, single submitter. Criteria: ACMG Guidelines, 2015. Collection method: clinical testing. Allele origin: germline. Affected: yes.
Comment: Gene of Uncertain Significance

NM_001256660.2(TEAD2):c.33C>G (p.Asp11Glu)

Gene: TEAD2 (TEA domain transcription factor 2; minus strand). Cytogenetic location: 19q13.33.
Variant type: single nucleotide variant.
Coding change: c.33C>G on transcript NM_001256660.2 (MANE Select); coding-DNA position 33, C replaced by G.
Protein change: p.Asp11Glu; replaces aspartic acid 11 with glutamic acid.
Molecular consequence: missense variant. On other transcripts: intron variant (1).
Genome position (GRCh38, 1-based): chr19:49,360,043, G>C on the plus strand (C>G on the coding strand, the complement: TEAD2 is on the minus strand). VCF-style: chr19-49360043-G-C. GRCh37 (hg19) VCF-style: chr19-49863300-G-C.
Other names: c.33C>G, p.Asp11Glu (NM_001256658.2, NM_001256659.2, NM_001256661.2 and 1 more transcripts); c.-173-544C>G (NM_001256662.2); short protein forms D11E.
Identifiers: ClinVar variation 4538349 (VCV004538349.1).
Genomic context (GRCh38, chr19:49,360,043, plus strand): 5'-CTCACTGCCGCCGGTACCCTCCTCACTGCCTTCCTCACTGCCCGTCCAGCCGCTGCCATC[G>C]TCCAGGGCGGCCCCAGCCCGGGGTTCCCCCATCTGGGCCTGGAGGAACACAGAACTCAGC-3'
Protein context (NP_001243589.1, residues 1-21): MGEPRAGAAL[Asp11Glu]DGSGWTGSEE